The following is an entry in ClinVar:

ClinVar aggregate classification (germline): Likely benign. Review status: criteria provided, multiple submitters, no conflicts (2 of 4 stars). 3 submissions from 3 submitters: Likely benign (2). 1 of the submissions does not count toward it. Last evaluated 2024-10-12.

Conditions:
NNT-related disorder. Also called: NNT-related condition.

Allele frequency attached by ClinVar (database versions not stated): ExAC 0.00001; gnomAD 0.00002; TOPMed 0.00005.
gnomAD v4.1: 9 of 1,613,990 alleles (0.00056%); highest among the groups gnomAD compares: Admixed American, 0.0067%; no homozygotes.

Submissions (3):

Labcorp Genetics (formerly Invitae), Labcorp
Classification: Likely benign. Last evaluated: 2024-10-12. Review status: criteria provided, single submitter. Criteria: Invitae Variant Classification Sherloc (09022015). Collection method: clinical testing. Allele origin: germline.

Blueprint Genetics
Classification: Likely benign. Last evaluated: 2022-08-20. Review status: criteria provided, single submitter. Criteria: ACMG Guidelines, 2015. Collection method: clinical testing. Allele origin: germline.

PreventionGenetics, part of Exact Sciences
Classification: Likely benign for NNT-related condition. Last evaluated: 2023-03-23. Review status: no assertion criteria provided. Collection method: clinical testing. Allele origin: germline. Not counted in ClinVar's aggregate classification.
Comment: This variant is classified as likely benign based on ACMG/AMP sequence variant interpretation guidelines (Richards et al. 2015 PMID: 25741868, with internal and published modifications).

NM_182977.3(NNT):c.408A>G (p.Thr136=)

Gene: NNT (nicotinamide nucleotide transhydrogenase; plus strand). Cytogenetic location: 5p12.
Variant type: single nucleotide variant.
Coding change: c.408A>G on transcript NM_182977.3 (MANE Select); coding-DNA position 408, A replaced by G.
Protein change: p.Thr136=; no amino-acid change (threonine 136 retained).
Molecular consequence: synonymous variant.
Genome position (GRCh38, 1-based): chr5:43,615,874, A>G. VCF-style: chr5-43615874-A-G. GRCh37 (hg19) VCF-style: chr5-43615976-A-G.
Other names: c.15A>G, p.Thr5= (NM_001331026.2); c.408A>G, p.Thr136= (NM_012343.4).
Identifiers: ClinVar variation 3052010 (VCV003052010.5), dbSNP rs781393398, ClinGen allele CA3257718.